The following is an entry in ClinVar:

ClinVar aggregate classification (germline): Uncertain significance (1 of 4 stars; one submission).

Conditions:
Gnathodiaphyseal dysplasia (GDD). Also called: GNATHODIAPHYSEAL SCLEROSIS; OSTEOGENESIS IMPERFECTA WITH UNUSUAL SKELETAL LESIONS. Identifiers: Orphanet 53697, MedGen C1833736, MONDO:0008151, OMIM 166260.
Autosomal recessive limb-girdle muscular dystrophy type 2L (LGMDR12). Also called: Limb-girdle muscular dystrophy, type 2L; MUSCULAR DYSTROPHY, LIMB-GIRDLE, AUTOSOMAL RECESSIVE 12; Limb-Girdle Muscular Dystrophy R12 Anoctamin-5-Related (LGMD-R12). Identifiers: Orphanet 206549, MedGen C1969785, MONDO:0012652, OMIM 611307.

gnomAD v4.1: 6 of 1,612,516 alleles (0.00037%); highest among the groups gnomAD compares: Non-Finnish European, 0.00051%; no homozygotes.

Submission:

Labcorp Genetics (formerly Invitae), Labcorp
Classification: Uncertain significance for Autosomal recessive limb-girdle muscular dystrophy type 2L; Gnathodiaphyseal dysplasia. Last evaluated: 2025-03-04. Review status: criteria provided, single submitter. Criteria: Invitae Variant Classification Sherloc (09022015). Collection method: clinical testing. Allele origin: germline.
Comment: This sequence change replaces asparagine, which is neutral and polar, with lysine, which is basic and polar, at codon 904 of the ANO5 protein (p.Asn904Lys). This variant is not present in population databases (gnomAD no frequency). This variant has not been reported in the literature in individuals affected with ANO5-related conditions. Invitae Evidence Modeling of protein sequence and biophysical properties (such as structural, functional, and spatial information, amino acid conservation, physicochemical variation, residue mobility, and thermodynamic stability) has been performed for this missense variant. However, the output from this modeling did not meet the statistical confidence thresholds required to predict the impact of this variant on ANO5 protein function. In summary, the available evidence is currently insufficient to determine the role of this variant in disease. Therefore, it has been classified as a Variant of Uncertain Significance.

NM_213599.3(ANO5):c.2712C>G (p.Asn904Lys)

Gene: ANO5 (anoctamin 5; plus strand). Cytogenetic location: 11p14.3.
Variant type: single nucleotide variant.
Coding change: c.2712C>G on transcript NM_213599.3 (MANE Select); coding-DNA position 2712, C replaced by G.
Protein change: p.Asn904Lys; replaces asparagine 904 with lysine.
Molecular consequence: missense variant.
Genome position (GRCh38, 1-based): chr11:22,279,735, C>G. VCF-style: chr11-22279735-C-G. GRCh37 (hg19) VCF-style: chr11-22301281-C-G.
Other names: c.2709C>G, p.Asn903Lys (NM_001142649.2); c.2670C>G, p.Asn890Lys (NM_001410963.1); c.2667C>G, p.Asn889Lys (NM_001410964.1); c.2634C>G, p.Asn878Lys (NM_001441294.1); c.2631C>G, p.Asn877Lys (NM_001441295.1); c.2619C>G, p.Asn873Lys (NM_001441296.1); c.2592C>G, p.Asn864Lys (NM_001441297.1); c.2556C>G, p.Asn852Lys (NM_001441298.1); and 4 more; short protein forms N758K, N873K, N904K, N742K, N864K, N878K, N851K, N889K.
Identifiers: ClinVar variation 4787536 (VCV004787536.1).